The following is an entry in ClinVar:

ClinVar aggregate classification (germline): Benign/Likely benign. Review status: criteria provided, multiple submitters, no conflicts (2 of 4 stars). 4 submissions from 4 submitters: Benign (1); Likely benign (3). Last evaluated 2025-12-21.

Conditions:
Combined immunodeficiency due to STIM1 deficiency. Also called: STIM1 DEFICIENCY; IMMUNODEFICIENCY 10. Identifiers: Orphanet 169090, Orphanet 317430, MedGen C2748557, MONDO:0013008, OMIM 612783.
Myopathy with tubular aggregates (TAM). Also called: Tubular Aggregate Myopathy. Identifiers: Orphanet 2593, MedGen C0410207, MONDO:0008051.
Stormorken syndrome (STRMK). Also called: THROMBOCYTOPATHY, ASPLENIA, AND MIOSIS. Identifiers: Orphanet 3204, MedGen C1861451, MONDO:0008497, OMIM 185070.

Allele frequency attached by ClinVar (database versions not stated): gnomAD exomes 0.00010 and 0.00054; gnomAD 0.00015 and 0.00023; TOPMed 0.00020; ExAC 0.00047; 1000 Genomes Project 0.00220; 1000 Genomes Project 30x 0.00234.
gnomAD v4.1: 216 of 1,614,020 alleles (0.013%); highest among the groups gnomAD compares: East Asian, 0.37%; 3 homozygotes.

Submissions (4):

Labcorp Genetics (formerly Invitae), Labcorp
Classification: Benign for Myopathy with tubular aggregates; Combined immunodeficiency due to STIM1 deficiency; Stormorken syndrome. Last evaluated: 2025-12-21. Review status: criteria provided, single submitter. Criteria: Invitae Variant Classification Sherloc (09022015). Collection method: clinical testing. Allele origin: germline.

Blueprint Genetics
Classification: Likely benign. Last evaluated: 2024-06-26. Review status: criteria provided, single submitter. Criteria: ACMG Guidelines, 2015. Collection method: clinical testing. Allele origin: germline.

GeneDx
Classification: Likely benign. Last evaluated: 2017-11-27. Review status: criteria provided, single submitter. Criteria: GeneDx Variant Classification (06012015). Collection method: clinical testing. Allele origin: germline. Affected: yes.
Comment: This variant is considered likely benign or benign based on one or more of the following criteria: it is a conservative change, it occurs at a poorly conserved position in the protein, it is predicted to be benign by multiple in silico algorithms, and/or has population frequency not consistent with disease.

Breakthrough Genomics
Classification: Likely benign. Review status: criteria provided, single submitter. Criteria: ACMG Guidelines, 2015. Collection method: not provided. Allele origin: germline. Inheritance: Autosomal recessive inheritance. Affected: yes.

NM_001382567.1(STIM1):c.597C>A (p.Leu199=)

Gene: STIM1 (stromal interaction molecule 1; plus strand). Cytogenetic location: 11p15.4.
Variant type: single nucleotide variant.
Coding change: c.597C>A on transcript NM_001382567.1 (MANE Select); coding-DNA position 597, C replaced by A.
Protein change: p.Leu199=; no amino-acid change (leucine 199 retained).
Molecular consequence: synonymous variant. On other transcripts: non-coding transcript variant (3), intron variant (1).
Genome position (GRCh38, 1-based): chr11:4,059,380, C>A. VCF-style: chr11-4059380-C-A. GRCh37 (hg19) VCF-style: chr11-4080610-C-A.
Other names: c.597C>A, p.Leu199= (NM_001277961.3, NM_001277962.2, NM_001382568.1 and 2 more transcripts); c.375C>A, p.Leu125= (NM_001382566.1, NM_001382573.1, NM_001382574.1 and 5 more transcripts); c.462C>A, p.Leu154= (NM_001382569.1); c.117C>A, p.Leu39= (NM_001382571.1); c.108C>A, p.Leu36= (NM_001382580.1, NM_001382581.1); c.386-10646C>A (NM_001382570.1).
Identifiers: ClinVar variation 461737 (VCV000461737.16), dbSNP rs189905382, ClinGen allele CA5830260.